The following is an entry in ClinVar:

ClinVar aggregate classification (germline): Uncertain significance (1 of 4 stars; one submission).

Submission:

CeGaT Center for Human Genetics Tuebingen
Classification: Uncertain significance. Last evaluated: 2022-10-01. Review status: criteria provided, single submitter. Criteria: CeGaT Center For Human Genetics Tuebingen Variant Classification Criteria Version 2. Collection method: clinical testing. Allele origin: germline. Affected: yes. Observed: 1 variant allele.
Comment: KDM6B: PM2, BP4

NM_001348716.2(KDM6B):c.4611-7T>C

Gene: KDM6B (lysine demethylase 6B; plus strand). Cytogenetic location: 17p13.1.
Variant type: single nucleotide variant.
Coding change: c.4611-7T>C on transcript NM_001348716.2 (MANE Select); 7 bases into the intron before coding-DNA position 4611, T replaced by C.
Molecular consequence: intron variant.
Genome position (GRCh38, 1-based): chr17:7,852,993, T>C. VCF-style: chr17-7852993-T-C. GRCh37 (hg19) VCF-style: chr17-7756311-T-C.
Other names: c.4611-7T>C (NM_001080424.2).
Identifiers: ClinVar variation 2647416 (VCV002647416.24), dbSNP rs2544536157, ClinGen allele CA2695201244.